The following is an entry in ClinVar:

NM_014704.4(CEP104):c.2774_2775dup (p.Ter926AlaextTer?)

Gene: CEP104 (centrosomal protein 104; minus strand). Cytogenetic location: 1p36.32.
Variant type: Microsatellite.
Coding change: c.2774_2775dup on transcript NM_014704.4 (MANE Select); coding-DNA positions 2774 to 2775, 2 bases duplicated (GC; older notation c.2774_2775dupGC).
Protein change: p.Ter926AlaextTer?.
Molecular consequence: frameshift variant, stop lost.
Genome position (GRCh38, 1-based): chr1:3,815,405-3,815,406, GC duplicated on the plus strand (GC on the coding strand, the reverse complement: CEP104 is on the minus strand); duplicating any 2 consecutive bases within chr1:3,815,405-3,815,408 gives the same sequence; the c. name uses the placement nearest the transcript's 3' end. VCF-style (leftmost placement, unchanged base first): chr1-3815404-A-AGC. GRCh37 (hg19) VCF-style: chr1-3731968-A-AGC.
Identifiers: ClinVar variation 4857672 (VCV004857672.1).

ClinVar aggregate classification (germline): Uncertain significance (1 of 4 stars; one submission).

Conditions:
Intellectual developmental disorder, autosomal recessive 77 (MRT77). Identifiers: MedGen C5774193, MONDO:0031031, OMIM 619988.

Submission:

Kasturba Medical College, Manipal, Kasturba Medical College, Manipal, Manipal Academy of Higher Education, Manipal, India
Classification: Uncertain significance for Intellectual developmental disorder, autosomal recessive 77. Last evaluated: 2026-07-02. Review status: criteria provided, single submitter. Criteria: ACMG Guidelines, 2015. Collection method: research. Allele origin: biparental. Inheritance: Autosomal recessive inheritance. Affected: yes. Observed: 1 variant allele, 1 homozygote.
Comment: This variant is absent in homozygous and/or heterozygous state from the population database gnomAD (v.4.1.0). This variant is present in one individual in heterozygous state and absent in homozygous state in our in-house database of 3860 exomes.